The following is an entry in ClinVar:

ClinVar aggregate classification (germline): Uncertain significance (1 of 4 stars; one submission).

Conditions:
Hereditary cancer-predisposing syndrome. Also called: Neoplastic Syndromes, Hereditary; Tumor predisposition; Hereditary neoplastic syndrome; Hereditary Cancer Syndrome. Identifiers: Orphanet 140162, MedGen C0027672, MeSH D009386, MONDO:0015356.

Submission:

Ambry Genetics
Classification: Uncertain significance for Hereditary cancer-predisposing syndrome. Last evaluated: 2023-11-22. Review status: criteria provided, single submitter. Criteria: Ambry Variant Classification Scheme 2023. Collection method: clinical testing. Allele origin: germline.
Comment: The p.D224H variant (also known as c.670G>C), located in coding exon 5 of the POT1 gene, results from a G to C substitution at nucleotide position 670. The aspartic acid at codon 224 is replaced by histidine, an amino acid with similar properties. This amino acid position is highly conserved in available vertebrate species. In addition, this alteration is predicted to be deleterious by in silico analysis. Since supporting evidence is limited at this time, the clinical significance of this alteration remains unclear.

NM_015450.3(POT1):c.670G>C (p.Asp224His)

Gene: POT1 (protection of telomeres 1; minus strand). Cytogenetic location: 7q31.33.
Variant type: single nucleotide variant.
Coding change: c.670G>C on transcript NM_015450.3 (MANE Select); coding-DNA position 670, G replaced by C.
Protein change: p.Asp224His; replaces aspartic acid 224 with histidine.
Molecular consequence: missense variant. On other transcripts: non-coding transcript variant (3).
Genome position (GRCh38, 1-based): chr7:124,858,989, C>G on the plus strand (G>C on the coding strand, the complement: POT1 is on the minus strand). VCF-style: chr7-124858989-C-G. GRCh37 (hg19) VCF-style: chr7-124499043-C-G.
Other names: c.277G>C, p.Asp93His (NM_001042594.2); short protein forms D224H, D93H.
Identifiers: ClinVar variation 3226687 (VCV003226687.1), dbSNP rs202187871, ClinGen allele CA369056125.